The following is an entry in ClinVar:

ClinVar aggregate classification (germline): Benign (1 of 4 stars; one submission).

Allele frequency attached by ClinVar (database versions not stated): 1000 Genomes Project 0.10443; gnomAD 0.10455 and 0.11092; 1000 Genomes Project 30x 0.11212; TOPMed 0.11655.
gnomAD v4.1: 15,748 of 151,852 alleles (10%); highest among the groups gnomAD compares: African/African-American, 30%; 1,992 homozygotes.

Submission:

GeneDx
Classification: Benign. Last evaluated: 2018-06-19. Review status: criteria provided, single submitter. Criteria: GeneDx Variant Classification (06012015). Collection method: clinical testing. Allele origin: germline. Affected: yes.
Comment: This variant is considered likely benign or benign based on one or more of the following criteria: it is a conservative change, it occurs at a poorly conserved position in the protein, it is predicted to be benign by multiple in silico algorithms, and/or has population frequency not consistent with disease.

NM_001130987.2(DYSF):c.6174-297T>C

Gene: DYSF (dysferlin; plus strand). Cytogenetic location: 2p13.2.
Variant type: single nucleotide variant.
Coding change: c.6174-297T>C on transcript NM_001130987.2 (MANE Select); 297 bases into the intron before coding-DNA position 6174, T replaced by C.
Molecular consequence: intron variant.
Genome position (GRCh38, 1-based): chr2:71,682,233, T>C. VCF-style: chr2-71682233-T-C. GRCh37 (hg19) VCF-style: chr2-71909363-T-C.
Other names: c.6150-297T>C (NM_001130979.2); c.6171-297T>C (NM_001130981.2); c.6108-297T>C (NM_001130980.2); c.6120-297T>C (NM_001130978.2); c.6057-297T>C (NM_003494.4); c.6078-297T>C (NM_001130977.2); c.6015-297T>C (NM_001130976.2); c.6153-297T>C (NM_001130982.2); and 5 more.
Identifiers: ClinVar variation 671764 (VCV000671764.1), dbSNP rs11897186, ClinGen allele CA11297461.